The following is an entry in ClinVar:

ClinVar aggregate classification (germline): Likely benign. Review status: criteria provided, multiple submitters, no conflicts (2 of 4 stars). 6 submissions from 6 submitters: Likely benign (3). 3 of the submissions do not count toward it. Last evaluated 2025-09-04.

Conditions:
NPHP4-related disorder. Also called: NPHP4-related condition; NPHP4-related disorders. Identifiers: MedGen CN239384.
Inborn genetic diseases. Identifiers: MedGen C0950123, MeSH D030342.
Nephronophthisis. Also called: Juvenile Nephronophthisis. Identifiers: Orphanet 655, MedGen C0687120, MONDO:0019005, HP:0000090.

Allele frequency attached by ClinVar (database versions not stated): ExAC 0.00004; gnomAD 0.00004 and 0.00005; gnomAD exomes 0.00005; TOPMed 0.00007; ESP Exome Variant Server 0.00015; 1000 Genomes Project 30x 0.00016; 1000 Genomes Project 0.00020.
gnomAD v4.1: 83 of 1,609,840 alleles (0.0052%); highest among the groups gnomAD compares: East Asian, 0.065%; no homozygotes.

Submissions (6):

Labcorp Genetics (formerly Invitae), Labcorp
Classification: Likely benign for Nephronophthisis. Last evaluated: 2025-09-04. Review status: criteria provided, single submitter. Criteria: Invitae Variant Classification Sherloc (09022015). Collection method: clinical testing. Allele origin: germline.

Ambry Genetics
Classification: Likely benign for Inborn genetic diseases. Last evaluated: 2025-04-24. Review status: criteria provided, single submitter. Criteria: Ambry Variant Classification Scheme 2023. Collection method: clinical testing. Allele origin: germline.

Blueprint Genetics
Classification: Likely benign. Last evaluated: 2024-09-05. Review status: criteria provided, single submitter. Criteria: ACMG Guidelines, 2015. Collection method: clinical testing. Allele origin: germline.

PreventionGenetics, part of Exact Sciences
Classification: Likely benign for NPHP4-related condition. Last evaluated: 2024-04-04. Review status: no assertion criteria provided. Collection method: clinical testing. Allele origin: germline. Not counted in ClinVar's aggregate classification.
Comment: This variant is classified as likely benign based on ACMG/AMP sequence variant interpretation guidelines (Richards et al. 2015 PMID: 25741868, with internal and published modifications).

Clinical Genetics DNA and cytogenetics Diagnostics Lab, Erasmus MC, Erasmus Medical Center
Classification: Likely benign. Review status: no assertion criteria provided. Collection method: clinical testing. Allele origin: germline. Affected: yes. Study: VKGL Data-share Consensus. Not counted in ClinVar's aggregate classification.

Clinical Genetics, Academic Medical Center
Classification: Benign. Review status: no assertion criteria provided. Collection method: clinical testing. Allele origin: germline. Affected: yes. Study: VKGL Data-share Consensus. Not counted in ClinVar's aggregate classification.

NM_015102.5(NPHP4):c.2886G>A (p.Thr962=)

Gene: NPHP4 (nephrocystin 4; minus strand). Cytogenetic location: 1p36.31.
Variant type: single nucleotide variant.
Coding change: c.2886G>A on transcript NM_015102.5 (MANE Select); coding-DNA position 2886, G replaced by A.
Protein change: p.Thr962=; no amino-acid change (threonine 962 retained).
Molecular consequence: synonymous variant. On other transcripts: non-coding transcript variant (1).
Genome position (GRCh38, 1-based): chr1:5,875,032, C>T on the plus strand (G>A on the coding strand, the complement: NPHP4 is on the minus strand). VCF-style: chr1-5875032-C-T. GRCh37 (hg19) VCF-style: chr1-5935092-C-T.
Other names: c.1347G>A, p.Thr449= (NM_001291593.2); c.1350G>A, p.Thr450= (NM_001291594.2); c.2886G>A (NM_015102.4, NM_015102.3).
Identifiers: ClinVar variation 1108848 (VCV001108848.16), dbSNP rs368320071, ClinGen allele CA553886.
Genomic context (GRCh38, chr1:5,875,032, plus strand): 5'-GTGGAGCGTGTGCTCCGTGGTGATGGCCAGGCTCAGCAGGCTGGCGATGCTCTCGGCCTT[C>T]GTGCGTTCCCGGTAGGCGGCGATGACCTGTAGGTCCCGCAAGTGCTGTGTGCGGACGCTC-3'
Protein context (NP_055917.1, residues 952-972): LQVIAAYRER[Thr962=]KAESIASLLS